The following is an entry in ClinVar:

ClinVar aggregate classification (germline): Likely benign. Review status: criteria provided, single submitter (1 of 4 stars). 2 submissions from 2 submitters: Likely benign (1). 1 of the submissions does not count toward it. Last evaluated 2024-05-06.

Conditions:
RP1L1-related disorder. Also called: RP1L1-related condition.

Allele frequency attached by ClinVar (database versions not stated): gnomAD 0.00001; gnomAD exomes 0.00001; TOPMed 0.00001.
gnomAD v4.1: 19 of 1,611,872 alleles (0.0012%); highest among the groups gnomAD compares: Non-Finnish European, 0.0014%; no homozygotes.

Submissions (2):

Blueprint Genetics
Classification: Likely benign. Last evaluated: 2024-05-06. Review status: criteria provided, single submitter. Criteria: ACMG Guidelines, 2015. Collection method: clinical testing. Allele origin: germline.

PreventionGenetics, part of Exact Sciences
Classification: Likely benign for RP1L1-related condition. Last evaluated: 2019-03-20. Review status: no assertion criteria provided. Collection method: clinical testing. Allele origin: germline. Not counted in ClinVar's aggregate classification.
Comment: This variant is classified as likely benign based on ACMG/AMP sequence variant interpretation guidelines (Richards et al. 2015 PMID: 25741868, with internal and published modifications).

NM_178857.6(RP1L1):c.3147G>A (p.Glu1049=)

Gene: RP1L1 (RP1 like 1). Cytogenetic location: 8p23.1.
Variant type: single nucleotide variant.
Coding change: c.3147G>A on transcript NM_178857.6 (MANE Select); coding-DNA position 3147, G replaced by A.
Protein change: p.Glu1049=; no amino-acid change (glutamic acid 1049 retained).
Molecular consequence: synonymous variant.
Genome position (GRCh38, 1-based): chr8:10,610,951, C>T on the plus strand (G>A on the coding strand, the complement: RP1L1 is on the minus strand). VCF-style: chr8-10610951-C-T. GRCh37 (hg19) VCF-style: chr8-10468461-C-T.
Identifiers: ClinVar variation 3040618 (VCV003040618.3), dbSNP rs1158348548, ClinGen allele CA459618721.
Genomic context (GRCh38, chr8:10,610,951, plus strand): 5'-CCTGCAGCCTGCTGGGGCCTCTCTGTCTGCTCCGGCCTCTGCAGGGGCCTCGGAAACTCC[C>T]TCTGGAGCTGCCCCTTGGGGGACACCCTCTCCTGATTGGGGACCAGTGTCACTACTCCCC-3'
Protein context (NP_849188.4, residues 1039-1059): GEGVPQGAAP[Glu1049=]GVSEAPAEAG